The following is an entry in ClinVar:

NM_006506.5(RASA2):c.2017-15T>G

Gene: RASA2 (RAS p21 protein activator 2; plus strand). Cytogenetic location: 3q23.
Variant type: single nucleotide variant.
Coding change: c.2017-15T>G on transcript NM_006506.5 (MANE Select); 15 bases into the intron before coding-DNA position 2017, T replaced by G.
Molecular consequence: intron variant.
Genome position (GRCh38, 1-based): chr3:141,608,474, T>G. VCF-style: chr3-141608474-T-G. GRCh37 (hg19) VCF-style: chr3-141327316-T-G.
Other names: c.2020-15T>G (NM_001303245.3); c.2029-15T>G (NM_001303246.3).
Identifiers: ClinVar variation 3729714 (VCV003729714.2).

ClinVar aggregate classification (germline): Uncertain significance (1 of 4 stars; one submission).

Submission:

Labcorp Genetics (formerly Invitae), Labcorp
Classification: Uncertain significance. Last evaluated: 2025-01-28. Review status: criteria provided, single submitter. Criteria: Invitae Variant Classification Sherloc (09022015). Collection method: clinical testing. Allele origin: germline.
Comment: This sequence change falls in intron 20 of the RASA2 gene. It does not directly change the encoded amino acid sequence of the RASA2 protein. This variant is not present in population databases (gnomAD no frequency). This variant has not been reported in the literature in individuals affected with RASA2-related conditions. Algorithms developed to predict the effect of sequence changes on RNA splicing suggest that this variant may disrupt the consensus splice site. In summary, the available evidence is currently insufficient to determine the role of this variant in disease. Therefore, it has been classified as a Variant of Uncertain Significance.